The following is an entry in ClinVar:

NM_001006658.3(CR2):c.2620G>C (p.Asp874His)

Gene: CR2 (complement C3d receptor 2; plus strand). Cytogenetic location: 1q32.2.
Variant type: single nucleotide variant.
Coding change: c.2620G>C on transcript NM_001006658.3 (MANE Select); coding-DNA position 2620, G replaced by C.
Protein change: p.Asp874His; replaces aspartic acid 874 with histidine.
Molecular consequence: missense variant.
Genome position (GRCh38, 1-based): chr1:207,475,120, G>C. VCF-style: chr1-207475120-G-C. GRCh37 (hg19) VCF-style: chr1-207648465-G-C.
Other names: c.2443G>C, p.Asp815His (NM_001877.5); short protein forms D815H, D874H.
Identifiers: ClinVar variation 947588 (VCV000947588.7), dbSNP rs759615903, ClinGen allele CA1369014.

ClinVar aggregate classification (germline): Uncertain significance (1 of 4 stars; one submission).

Conditions:
Immunodeficiency, common variable, 7. Identifiers: Orphanet 1572, Orphanet 696894, MedGen C3542922, MONDO:0013862, OMIM 614699.

Allele frequency attached by ClinVar (database versions not stated): ExAC 0.00001; TOPMed 0.00001; gnomAD exomes 0.00002.

Submission:

Labcorp Genetics (formerly Invitae), Labcorp
Classification: Uncertain significance for Immunodeficiency, common variable, 7. Last evaluated: 2023-10-22. Review status: criteria provided, single submitter. Criteria: Invitae Variant Classification Sherloc (09022015). Collection method: clinical testing. Allele origin: germline.
Comment: This sequence change replaces aspartic acid, which is acidic and polar, with histidine, which is basic and polar, at codon 874 of the CR2 protein (p.Asp874His). This variant is present in population databases (rs759615903, gnomAD 0.004%). This variant has not been reported in the literature in individuals affected with CR2-related conditions. ClinVar contains an entry for this variant (Variation ID: 947588). An algorithm developed to predict the effect of missense changes on protein structure and function (PolyPhen-2) suggests that this variant is likely to be tolerated. In summary, the available evidence is currently insufficient to determine the role of this variant in disease. Therefore, it has been classified as a Variant of Uncertain Significance.